The following is an entry in ClinVar:

ClinVar aggregate classification (germline): Uncertain significance (1 of 4 stars; one submission).

Allele frequency attached by ClinVar (database versions not stated): TOPMed 0.00002; gnomAD exomes 0.00003; gnomAD 0.00005; ExAC 0.00037.
gnomAD v4.1: 50 of 1,491,148 alleles (0.0034%); highest among the groups gnomAD compares: Admixed American, 0.0023%; no homozygotes.

Submission:

Labcorp Genetics (formerly Invitae), Labcorp
Classification: Uncertain significance. Last evaluated: 2023-08-23. Review status: criteria provided, single submitter. Criteria: Invitae Variant Classification Sherloc (09022015). Collection method: clinical testing. Allele origin: germline.
Comment: This sequence change replaces leucine, which is neutral and non-polar, with valine, which is neutral and non-polar, at codon 1630 of the CASZ1 protein (p.Leu1630Val). This variant is present in population databases (rs747247544, gnomAD 0.09%), and has an allele count higher than expected for a pathogenic variant. This variant has not been reported in the literature in individuals affected with CASZ1-related conditions. An algorithm developed to predict the effect of missense changes on protein structure and function (PolyPhen-2) suggests that this variant is likely to be tolerated. In summary, the available evidence is currently insufficient to determine the role of this variant in disease. Therefore, it has been classified as a Variant of Uncertain Significance.

NM_001079843.3(CASZ1):c.4888C>G (p.Leu1630Val)

Gene: CASZ1 (castor zinc finger 1; minus strand). Cytogenetic location: 1p36.22.
Variant type: single nucleotide variant.
Coding change: c.4888C>G on transcript NM_001079843.3 (MANE Select); coding-DNA position 4888, C replaced by G.
Protein change: p.Leu1630Val; replaces leucine 1630 with valine.
Molecular consequence: missense variant.
Genome position (GRCh38, 1-based): chr1:10,639,334, G>C on the plus strand (C>G on the coding strand, the complement: CASZ1 is on the minus strand). VCF-style: chr1-10639334-G-C. GRCh37 (hg19) VCF-style: chr1-10699391-G-C.
Other names: short protein forms L1630V.
Identifiers: ClinVar variation 2918018 (VCV002918018.3), dbSNP rs747247544, ClinGen allele CA584105.